The following is an entry in ClinVar:

NM_001312909.2(FAM111A):c.1515del (p.Ala506fs)

Gene: FAM111A (FAM111 trypsin like peptidase A; plus strand). Cytogenetic location: 11q12.1.
Variant type: Deletion.
Coding change: c.1515del on transcript NM_001312909.2 (MANE Select); coding-DNA position 1515, one base deleted (A; older notation c.1515delA).
Protein change: p.Ala506fs; shifts the reading frame from alanine 506.
Molecular consequence: frameshift variant.
Genome position (GRCh38, 1-based): chr11:59,153,183, A deleted; the last of 6 consecutive A bases (chr11:59,153,178-59,153,183); deleting any one gives the same sequence. VCF-style (leftmost placement, unchanged base first): chr11-59153177-TA-T. GRCh37 (hg19) VCF-style: chr11-58920650-TA-T.
Other names: c.1515del, p.Ala506fs (NM_001142519.3, NM_001142520.3, NM_001142521.3 and 29 more transcripts); short protein forms A506fs.
Identifiers: ClinVar variation 4996801 (VCV004996801.1).
Genomic context (GRCh38, chr11:59,153,177, plus strand): 5'-TGCTTGTGCTGTGATCCCTCAGGGTCAGCGAGCAAAGAAATGTCAGGAACGTGTTCAGTC[TA>T]AAAAAGCAGAAAGTCCAGAGTATGTCCATATGTATACTCAAAGAAGTTTCCAGAAAATAG-3'

ClinVar aggregate classification (germline): Uncertain significance (1 of 4 stars; one submission).

Conditions:
FAM111A-related disorder. Also called: FAM111A-related condition.

Submission:

PreventionGenetics, part of Exact Sciences
Classification: Uncertain significance for FAM111A-related condition. Last evaluated: 2025-12-10. Review status: criteria provided, single submitter. Criteria: ACMG Guidelines, 2015. Collection method: clinical testing. Allele origin: germline.
Comment: The FAM111A c.1515delA variant is predicted to result in a frameshift and premature protein termination (p.Ala506Glnfs*18). To our knowledge, this variant has not been reported in the literature. This variant is reported in 0.0018% of alleles in individuals of European (Non-Finnish) descent in gnomAD. This variant is located in the terminal exon and is not predicted to cause nonsense mediated decay of the transcript. At this time, the clinical significance of this variant is uncertain due to the absence of conclusive functional and genetic evidence.